The following is an entry in ClinVar:

ClinVar aggregate classification (germline): Uncertain significance (1 of 4 stars; one submission).

Allele frequency attached by ClinVar (database versions not stated): gnomAD exomes below 0.00001.
gnomAD v4.1: 4 of 1,614,228 alleles (0.00025%); highest among the groups gnomAD compares: Middle Eastern, 0.016%; no homozygotes.

Submission:

Labcorp Genetics (formerly Invitae), Labcorp
Classification: Uncertain significance. Last evaluated: 2024-02-24. Review status: criteria provided, single submitter. Criteria: Invitae Variant Classification Sherloc (09022015). Collection method: clinical testing. Allele origin: germline.
Comment: This sequence change replaces tryptophan, which is neutral and slightly polar, with cysteine, which is neutral and slightly polar, at codon 41 of the NDUFAF2 protein (p.Trp41Cys). This variant is not present in population databases (gnomAD no frequency). This variant has not been reported in the literature in individuals affected with NDUFAF2-related conditions. ClinVar contains an entry for this variant (Variation ID: 1486350). An algorithm developed to predict the effect of missense changes on protein structure and function (PolyPhen-2) suggests that this variant is likely to be disruptive. In summary, the available evidence is currently insufficient to determine the role of this variant in disease. Therefore, it has been classified as a Variant of Uncertain Significance.

NM_174889.5(NDUFAF2):c.123G>C (p.Trp41Cys)

Gene: NDUFAF2 (NADH:ubiquinone oxidoreductase complex assembly factor 2; plus strand). Cytogenetic location: 5q12.1.
Variant type: single nucleotide variant.
Coding change: c.123G>C on transcript NM_174889.5 (MANE Select); coding-DNA position 123, G replaced by C.
Protein change: p.Trp41Cys; replaces tryptophan 41 with cysteine.
Molecular consequence: missense variant.
Genome position (GRCh38, 1-based): chr5:60,945,378, G>C. VCF-style: chr5-60945378-G-C. GRCh37 (hg19) VCF-style: chr5-60241205-G-C.
Other names: short protein forms W41C.
Identifiers: ClinVar variation 1486350 (VCV001486350.6), dbSNP rs1561523202, ClinGen allele CA359935715.
Genomic context (GRCh38, chr5:60,945,378, plus strand): 5'-GCACGTGGGCACGGACCAATTCGGGAACAAATACTACTACATCCCGCAGTACAAGAACTG[G>C]AGAGGTGAGGTGGCGGCGTGGGCAGCGATTGCGTGGTCAGTGATTGCGAGGTCAGTAAAG-3'
Protein context (NP_777549.1, residues 31-51): KYYYIPQYKN[Trp41Cys]RGQTIREKRI